The following is an entry in ClinVar:

NM_004462.5(FDFT1):c.478_483del (p.Lys160_His161del)

Gene: FDFT1 (farnesyl-diphosphate farnesyltransferase 1). Cytogenetic location: 8p23.1.
Variant type: Deletion.
Coding change: c.478_483del on transcript NM_004462.5 (MANE Select); coding-DNA positions 478 to 483, 6 bases deleted.
Protein change: p.Lys160_His161del.
Molecular consequence: inframe deletion. On other transcripts: inframe indel (2), intron variant (1).
Genome position: GRCh38 VCF-style: chr8-11821843-GATAAGC-G. GRCh37 (hg19) VCF-style: chr8-11679352-GATAAGC-G.
Other names: c.478_483del, p.Lys160_His161del (NM_001287742.2, NM_001287743.2); c.286_291del, p.Lys96_His97del (NM_001287744.2, NM_001287745.2, NM_001287749.2); c.286_291delAAGCAT, p.Lys96_His97del (NM_001287747.2, NM_001287748.2); c.655_660del, p.Lys219_His220del (NM_001287750.2); c.223_228del, p.Lys75_His76del (NM_001287751.2); c.65-4233_65-4228del (NM_001287756.2).
Identifiers: ClinVar variation 1299106 (VCV001299106.35), dbSNP rs760846300, ClinGen allele CA4631813.

ClinVar aggregate classification (germline): Uncertain significance (1 of 4 stars; one submission).

Submission:

CeGaT Center for Human Genetics Tuebingen
Classification: Uncertain significance. Last evaluated: 2023-05-01. Review status: criteria provided, single submitter. Criteria: CeGaT Center For Human Genetics Tuebingen Variant Classification Criteria Version 2. Collection method: clinical testing. Allele origin: germline. Affected: yes. Observed: 1 variant allele.
Comment: FDFT1: PM2, PM4